The following is an entry in ClinVar:

ClinVar aggregate classification (germline): Uncertain significance (1 of 4 stars; one submission).

Allele frequency attached by ClinVar (database versions not stated): TOPMed below 0.00001; ExAC 0.00001.

Submission:

Labcorp Genetics (formerly Invitae), Labcorp
Classification: Uncertain significance. Last evaluated: 2022-08-08. Review status: criteria provided, single submitter. Criteria: Invitae Variant Classification Sherloc (09022015). Collection method: clinical testing. Allele origin: germline.
Comment: In summary, the available evidence is currently insufficient to determine the role of this variant in disease. Therefore, it has been classified as a Variant of Uncertain Significance. Algorithms developed to predict the effect of missense changes on protein structure and function are either unavailable or do not agree on the potential impact of this missense change (SIFT: "Deleterious"; PolyPhen-2: "Probably Damaging"; Align-GVGD: "Class C0"). This variant has not been reported in the literature in individuals affected with DMXL2-related conditions. This variant is present in population databases (rs775009939, gnomAD 0.0009%). This sequence change replaces threonine, which is neutral and polar, with alanine, which is neutral and non-polar, at codon 1112 of the DMXL2 protein (p.Thr1112Ala).

NM_001378457.1(DMXL2):c.3334A>G (p.Thr1112Ala)

Gene: DMXL2 (Dmx like 2; minus strand). Cytogenetic location: 15q21.2.
Variant type: single nucleotide variant.
Coding change: c.3334A>G on transcript NM_001378457.1 (MANE Select); coding-DNA position 3334, A replaced by G.
Protein change: p.Thr1112Ala; replaces threonine 1112 with alanine.
Molecular consequence: missense variant. On other transcripts: non-coding transcript variant (2), intron variant (2).
Genome position (GRCh38, 1-based): chr15:51,499,890, T>C on the plus strand (A>G on the coding strand, the complement: DMXL2 is on the minus strand). VCF-style: chr15-51499890-T-C. GRCh37 (hg19) VCF-style: chr15-51792087-T-C.
Other names: c.3334A>G, p.Thr1112Ala (NM_001174116.3, NM_001378458.1, NM_001378459.1 and 4 more transcripts); c.3094A>G, p.Thr1032Ala (NM_001378464.1); c.2764+7244A>G (NM_001378460.1); c.2765-4756A>G (NM_001174117.3); short protein forms T1032A, T1112A.
Identifiers: ClinVar variation 1715644 (VCV001715644.3), dbSNP rs775009939, ClinGen allele CA7562181.